The following is an entry in ClinVar:

ClinVar aggregate classification (germline): Benign (1 of 4 stars; one submission).

Allele frequency attached by ClinVar (database versions not stated): 1000 Genomes Project 30x 0.57979; 1000 Genomes Project 0.58327; TOPMed 0.62528; gnomAD 0.62941 and 0.63018.
gnomAD v4.1: 96,033 of 152,006 alleles (63%); highest among the groups gnomAD compares: Non-Finnish European, 72%; 31,341 homozygotes.

Submission:

GeneDx
Classification: Benign. Last evaluated: 2018-06-14. Review status: criteria provided, single submitter. Criteria: GeneDx Variant Classification (06012015). Collection method: clinical testing. Allele origin: germline. Affected: yes.
Comment: This variant is considered likely benign or benign based on one or more of the following criteria: it is a conservative change, it occurs at a poorly conserved position in the protein, it is predicted to be benign by multiple in silico algorithms, and/or has population frequency not consistent with disease.

NM_000426.4(LAMA2):c.7898+178C>T

Gene: LAMA2 (laminin subunit alpha 2; plus strand). Cytogenetic location: 6q22.33.
Variant type: single nucleotide variant.
Coding change: c.7898+178C>T on transcript NM_000426.4 (MANE Select); 178 bases into the intron after coding-DNA position 7898, C replaced by T.
Molecular consequence: intron variant.
Genome position (GRCh38, 1-based): chr6:129,486,800, C>T. VCF-style: chr6-129486800-C-T. GRCh37 (hg19) VCF-style: chr6-129807945-C-T.
Other names: c.7886+178C>T (NM_001079823.2).
Identifiers: ClinVar variation 682941 (VCV000682941.1), dbSNP rs9402136, ClinGen allele CA12208000.